The following is an entry in ClinVar:

ClinVar aggregate classification (germline): Uncertain significance. Review status: criteria provided, multiple submitters, no conflicts (2 of 4 stars). 3 submissions from 3 submitters: Uncertain significance (3). Last evaluated 2025-10-23.

Conditions:
Fanconi anemia (FA). Also called: Fanconi's anemia. Identifiers: Orphanet 84, MedGen C0015625, MeSH D005199, MONDO:0019391.
Spermatogenic failure 28. Identifiers: MedGen C4748117, MONDO:0054732, OMIM 618086.
Premature ovarian failure 15. Identifiers: MedGen C4748170, MONDO:0054862, OMIM 618096.

Allele frequency attached by ClinVar (database versions not stated): TOPMed below 0.00001; gnomAD exomes 0.00001 and 0.00002; ExAC 0.00004.
gnomAD v4.1: 5 of 1,613,432 alleles (0.00031%); highest among the groups gnomAD compares: East Asian, 0.011%; no homozygotes.

Submissions (3):

Labcorp Genetics (formerly Invitae), Labcorp
Classification: Uncertain significance for Fanconi anemia. Last evaluated: 2025-10-23. Review status: criteria provided, single submitter. Criteria: Invitae Variant Classification Sherloc (09022015). Collection method: clinical testing. Allele origin: germline.
Comment: This sequence change falls in intron 4 of the FANCM gene. It does not directly change the encoded amino acid sequence of the FANCM protein. This variant is present in population databases (rs781119621, gnomAD 0.03%). This variant has not been reported in the literature in individuals affected with FANCM-related conditions. ClinVar contains an entry for this variant (Variation ID: 641891). Algorithms developed to predict the effect of sequence changes on RNA splicing suggest that this variant may disrupt the consensus splice site. In summary, the available evidence is currently insufficient to determine the role of this variant in disease. Therefore, it has been classified as a Variant of Uncertain Significance.

GeneDx
Classification: Uncertain significance. Last evaluated: 2022-06-01. Review status: criteria provided, single submitter. Criteria: GeneDx Variant Classification Process June 2021. Collection method: clinical testing. Allele origin: germline. Affected: yes.
Comment: In silico analysis supports a deleterious effect on splicing; Has not been previously published as pathogenic or benign to our knowledge

Juno Genomics, Hangzhou Juno Genomics, Inc
Classification: Uncertain significance for Premature ovarian failure 15; Spermatogenic failure 28. Review status: criteria provided, single submitter. Criteria: ACMG Guidelines, 2015. Collection method: clinical testing. Allele origin: germline.
Comment: Absent from controls (or at extremely low frequency if recessive) in Genome Aggregation Database.;Multiple lines of computational evidence support a deleterious effect on the gene or gene product.

NM_020937.4(FANCM):c.919-8A>G

Gene: FANCM (FA complementation group M; plus strand). Cytogenetic location: 14q21.2.
Variant type: single nucleotide variant.
Coding change: c.919-8A>G on transcript NM_020937.4 (MANE Select); 8 bases into the intron before coding-DNA position 919, A replaced by G.
Molecular consequence: intron variant.
Genome position (GRCh38, 1-based): chr14:45,151,389, A>G. VCF-style: chr14-45151389-A-G. GRCh37 (hg19) VCF-style: chr14-45620592-A-G.
Other names: c.841-8A>G (NM_001308133.2); c.919-8A>G (NM_001308134.2).
Identifiers: ClinVar variation 641891 (VCV000641891.11), dbSNP rs781119621, ClinGen allele CA7168886.